The following is an entry in ClinVar:

NM_000051.4(ATM):c.8140C>T (p.Gln2714Ter)

Genes: C11orf65 (chromosome 11 open reading frame 65; minus strand), ATM (ATM serine/threonine kinase; plus strand). Cytogenetic location: 11q22.3.
Variant type: single nucleotide variant.
Coding change: c.8140C>T on transcript NM_000051.4 (MANE Select); coding-DNA position 8140, C replaced by T.
Protein change: p.Gln2714Ter; replaces glutamine 2714 with a stop codon.
Molecular consequence: nonsense. On other transcripts: intron variant (2).
Genome position (GRCh38, 1-based): chr11:108,335,098, C>T. VCF-style: chr11-108335098-C-T. GRCh37 (hg19) VCF-style: chr11-108205825-C-T.
Other names: c.8140C>T, p.Gln2714Ter (NM_001351834.2); c.641-26027G>A (NM_001330368.2); c.*38+122G>A (NM_001351110.2); short protein forms Q2714*.
Identifiers: ClinVar variation 419265 (VCV000419265.39), dbSNP rs1060501695, ClinGen allele CA16619247.
Genomic context (GRCh38, chr11:108,335,098, plus strand): 5'-GGAGGTGTAAATTTACCAAAAATAATAGATTGTGTAGGTTCCGATGGCAAGGAGAGGAGA[C>T]AGCTTGTTAAGGTGAGCCTTCCCTTCTCTGGCTTAGCCCTTAGAGTTTTAGTGATGAAAA-3'

ClinVar aggregate classification (germline): Pathogenic. Review status: criteria provided, multiple submitters, no conflicts (2 of 4 stars). 12 submissions from 12 submitters: Pathogenic (8). 4 of the submissions do not count toward it. Last evaluated 2024-12-16.

Conditions:
Gastric cancer. Also called: Stomach cancer; Malignant tumor of stomach. Identifiers: MedGen C0024623, MeSH D013274, MONDO:0001056, OMIM 613659, HP:0012126.
Familial cancer of breast. Also called: Hereditary breast cancer; BREAST CANCER, FAMILIAL; hereditary breast carcinoma. Identifiers: Orphanet 227535, MedGen C0346153, MONDO:0016419, OMIM 114480. Disease mechanism: loss of function.
Ataxia-telangiectasia syndrome (AT). Also called: LOUIS-BAR SYNDROME; Cerebello-oculocutaneous telangiectasia; Immunodeficiency with ataxia telangiectasia; Ataxia-telangiectasia, complementation group D; AT, COMPLEMENTATION GROUP C; Ataxia-telangiectasia, complementation group E. Identifiers: Orphanet 100, MedGen C0004135, MONDO:0008840, OMIM 208900.
Breast and/or ovarian cancer. Identifiers: MedGen CN221562.
Hereditary cancer-predisposing syndrome. Also called: Neoplastic Syndromes, Hereditary; Hereditary Cancer Syndrome; Tumor predisposition; Hereditary neoplastic syndrome. Identifiers: Orphanet 140162, MedGen C0027672, MeSH D009386, MONDO:0015356.

gnomAD v4.1: 1 of 1,614,014 alleles (0.000062%); highest among the groups gnomAD compares: Non-Finnish European, 0.000085%; no homozygotes.

Submissions (12):

Labcorp Genetics (formerly Invitae), Labcorp
Classification: Pathogenic for Ataxia-telangiectasia syndrome. Last evaluated: 2024-12-16. Review status: criteria provided, single submitter. Criteria: Invitae Variant Classification Sherloc (09022015). Collection method: clinical testing. Allele origin: germline.
Comment: This sequence change creates a premature translational stop signal (p.Gln2714*) in the ATM gene. It is expected to result in an absent or disrupted protein product. Loss-of-function variants in ATM are known to be pathogenic (PMID: 23807571, 25614872). This variant is not present in population databases (gnomAD no frequency). This premature translational stop signal has been observed in individual(s) with ataxia-telangiectasia (PMID: 8845835). ClinVar contains an entry for this variant (Variation ID: 419265). For these reasons, this variant has been classified as Pathogenic.

Ambry Genetics
Classification: Pathogenic for Hereditary cancer-predisposing syndrome. Last evaluated: 2024-03-08. Review status: criteria provided, single submitter. Criteria: Ambry Variant Classification Scheme 2023. Collection method: clinical testing. Allele origin: germline.
Comment: The p.Q2714* pathogenic mutation (also known as c.8140C>T), located in coding exon 54 of the ATM gene, results from a C to T substitution at nucleotide position 8140. This changes the amino acid from a glutamine to a stop codon within coding exon 54. This alteration has reported in the homozygous and compound heterozygous state in individuals diagnosed with ataxia telangiectasia (Gilad S et al. Hum. Mol. Genet. 1996 Apr;5:433-9; Cavaciuti E et al. Genes Chromosomes Cancer 2005 Jan;42:1-9). Functional studies have demonstrated increased radiosensitivity and decreased mRNA expression in cell lines containing this alteration in the homozygous/compound heterozygous state or heterozygous state (Fernet M et al. Int. J. Radiat. Biol., 2003 Mar;79:193-202; Guti&eacute;rrez-Enr&iacute;quez S et al. Genes Chromosomes Cancer 2004 Jun;40:109-19). This variant is considered to be rare based on population cohorts in the Genome Aggregation Database (gnomAD). In addition to the clinical data presented in the literature, this alteration is expected to result in loss of function by premature protein truncation or nonsense-mediated mRNA decay. As such, this alteration is interpreted as a disease-causing mutation.

Molecular Pathology, Peter Maccallum Cancer Centre
Classification: Pathogenic for Ataxia-telangiectasia syndrome. Last evaluated: 2024-02-01. Review status: criteria provided, single submitter. Criteria: ACMG Guidelines, 2015. Collection method: clinical testing. Allele origin: germline. Inheritance: Autosomal recessive inheritance.

Myriad Genetics, Inc.
Classification: Pathogenic for Familial cancer of breast. Last evaluated: 2024-02-01. Review status: criteria provided, single submitter. Criteria: Myriad Autosomal Dominant, Autosomal Recessive and X-Linked Classification Criteria (2023). Collection method: clinical testing. Allele origin: unknown.
Comment: This variant is considered pathogenic. This variant creates a termination codon and is predicted to result in premature protein truncation.

CHEO Genetics Diagnostic Laboratory, Children's Hospital of Eastern Ontario
Classification: Pathogenic for Breast and/or ovarian cancer. Last evaluated: 2023-05-01. Review status: criteria provided, single submitter. Criteria: ACMG Guidelines, 2015. Collection method: clinical testing. Allele origin: germline.

Baylor Genetics
Classification: Pathogenic for Familial cancer of breast. Last evaluated: 2023-01-04. Review status: criteria provided, single submitter. Criteria: ACMG Guidelines, 2015. Collection method: clinical testing. Allele origin: unknown.

GeneDx
Classification: Pathogenic. Last evaluated: 2019-08-07. Review status: criteria provided, single submitter. Criteria: GeneDx Variant Classification Process June 2021. Collection method: clinical testing. Allele origin: germline. Affected: yes.
Comment: Nonsense variant predicted to result in protein truncation or nonsense mediated decay in a gene for which loss-of-function is a known mechanism of disease; Not observed in large population cohorts (Lek 2016); Observed in individuals with breast cancer (Renault 2018); This variant is associated with the following publications: (PMID: 25525159, 15280931, 15101044, 8845835, 15390180, 12745884, 14970866, 29665859)

Juno Genomics, Hangzhou Juno Genomics, Inc
Classification: Pathogenic for Familial cancer of breast; Ataxia-telangiectasia syndrome. Review status: criteria provided, single submitter. Criteria: ACMG Guidelines, 2015. Collection method: clinical testing. Allele origin: germline.
Comment: Absent from controls (or at extremely low frequency if recessive) in Genome Aggregation Database.;Null variant in a gene where loss of function (LOF) is a known mechanism of disease.;For recessive disorders, detected in trans with a pathogenic variant.

BRCAlab, Lund University
Classification: Pathogenic for Familial cancer of breast. Last evaluated: 2022-08-26. Review status: no assertion criteria provided. Collection method: clinical testing. Allele origin: germline. Affected: yes. Not counted in ClinVar's aggregate classification.

Laboratory for Genotyping Development, RIKEN
Classification: Pathogenic for Gastric cancer. Last evaluated: 2021-07-01. Review status: no assertion criteria provided. Collection method: research. Allele origin: germline. Not counted in ClinVar's aggregate classification.

Clinical Genetics Laboratory, Department of Pathology, Netherlands Cancer Institute
Classification: Pathogenic. Review status: no assertion criteria provided. Collection method: clinical testing. Allele origin: germline. Affected: yes. Study: VKGL Data-share Consensus. Not counted in ClinVar's aggregate classification.

Genome Diagnostics Laboratory, Amsterdam University Medical Center
Classification: Pathogenic. Review status: no assertion criteria provided. Collection method: clinical testing. Allele origin: germline. Affected: yes. Study: VKGL Data-share Consensus. Not counted in ClinVar's aggregate classification.

Literature cited by the submitters: PubMed 23807571 (cited by Labcorp Genetics (formerly Invitae), Labcorp); PubMed 25614872 (cited by Labcorp Genetics (formerly Invitae), Labcorp); PubMed 8845835 (cited by Labcorp Genetics (formerly Invitae), Labcorp and Ambry Genetics); PubMed 12745884 (cited by Ambry Genetics); PubMed 15101044 (cited by Ambry Genetics); PubMed 15390180 (cited by Ambry Genetics); PubMed 36988593 (cited by Laboratory for Genotyping Development, RIKEN).